The following is an entry in ClinVar:

NM_000064.4(C3):c.1061A>T (p.Gln354Leu)

Gene: C3 (complement C3; minus strand). Cytogenetic location: 19p13.3.
Variant type: single nucleotide variant.
Coding change: c.1061A>T on transcript NM_000064.4 (MANE Select); coding-DNA position 1061, A replaced by T.
Protein change: p.Gln354Leu; replaces glutamine 354 with leucine.
Molecular consequence: missense variant.
Genome position (GRCh38, 1-based): chr19:6,712,566, T>A on the plus strand (A>T on the coding strand, the complement: C3 is on the minus strand). VCF-style: chr19-6712566-T-A. GRCh37 (hg19) VCF-style: chr19-6712577-T-A.
Other names: short protein forms Q354L.
Identifiers: ClinVar variation 1721488 (VCV001721488.5), dbSNP rs746295260, ClinGen allele CA9129566.

ClinVar aggregate classification (germline): Uncertain significance (1 of 4 stars; one submission).

Allele frequency attached by ClinVar (database versions not stated): gnomAD exomes below 0.00001; ExAC 0.00002.
gnomAD v4.1: 2 of 1,614,112 alleles (0.00012%); highest among the groups gnomAD compares: Non-Finnish European, 0.00017%; no homozygotes.

Submission:

Labcorp Genetics (formerly Invitae), Labcorp
Classification: Uncertain significance. Last evaluated: 2022-10-12. Review status: criteria provided, single submitter. Criteria: Invitae Variant Classification Sherloc (09022015). Collection method: clinical testing. Allele origin: germline.
Comment: In summary, the available evidence is currently insufficient to determine the role of this variant in disease. Therefore, it has been classified as a Variant of Uncertain Significance. Algorithms developed to predict the effect of sequence changes on RNA splicing suggest that this variant may disrupt the consensus splice site. Advanced modeling of protein sequence and biophysical properties (such as structural, functional, and spatial information, amino acid conservation, physicochemical variation, residue mobility, and thermodynamic stability) performed at Invitae indicates that this missense variant is not expected to disrupt C3 protein function. This variant has not been reported in the literature in individuals affected with C3-related conditions. This variant is present in population databases (rs746295260, gnomAD 0.002%). This sequence change replaces glutamine, which is neutral and polar, with leucine, which is neutral and non-polar, at codon 354 of the C3 protein (p.Gln354Leu).